The following is an entry in ClinVar:

NM_020745.4(AARS2):c.1411C>T (p.Arg471Trp)

Gene: AARS2 (alanyl-tRNA synthetase 2, mitochondrial; minus strand). Cytogenetic location: 6p21.1.
Variant type: single nucleotide variant.
Coding change: c.1411C>T on transcript NM_020745.4 (MANE Select); coding-DNA position 1411, C replaced by T.
Protein change: p.Arg471Trp; replaces arginine 471 with tryptophan.
Molecular consequence: missense variant.
Genome position (GRCh38, 1-based): chr6:44,305,676, G>A on the plus strand (C>T on the coding strand, the complement: AARS2 is on the minus strand). VCF-style: chr6-44305676-G-A. GRCh37 (hg19) VCF-style: chr6-44273413-G-A.
Other names: short protein forms R471W.
Identifiers: ClinVar variation 1369241 (VCV001369241.47), dbSNP rs766085905, ClinGen allele CA3834347.

ClinVar aggregate classification (germline): Uncertain significance (1 of 4 stars; one submission).

Allele frequency attached by ClinVar (database versions not stated): gnomAD exomes below 0.00001 and 0.00001; gnomAD 0.00001; TOPMed 0.00001; ExAC 0.00002.
gnomAD v4.1: 7 of 1,613,980 alleles (0.00043%); highest among the groups gnomAD compares: Admixed American, 0.0017%; no homozygotes.

Submission:

Labcorp Genetics (formerly Invitae), Labcorp
Classification: Uncertain significance. Last evaluated: 2022-10-05. Review status: criteria provided, single submitter. Criteria: Invitae Variant Classification Sherloc (09022015). Collection method: clinical testing. Allele origin: germline.
Comment: In summary, the available evidence is currently insufficient to determine the role of this variant in disease. Therefore, it has been classified as a Variant of Uncertain Significance. Advanced modeling of protein sequence and biophysical properties (such as structural, functional, and spatial information, amino acid conservation, physicochemical variation, residue mobility, and thermodynamic stability) performed at Invitae indicates that this missense variant is expected to disrupt AARS2 protein function. This sequence change replaces arginine, which is basic and polar, with tryptophan, which is neutral and slightly polar, at codon 471 of the AARS2 protein (p.Arg471Trp). This variant is present in population databases (rs766085905, gnomAD 0.003%). This variant has not been reported in the literature in individuals affected with AARS2-related conditions. ClinVar contains an entry for this variant (Variation ID: 1369241).